The following is an entry in ClinVar:

ClinVar aggregate classification (germline): Pathogenic. Review status: criteria provided, multiple submitters, no conflicts (2 of 4 stars). 2 submissions from 2 submitters: Pathogenic (2). Last evaluated 2025-02-18.

Conditions:
Hereditary cancer-predisposing syndrome. Also called: Neoplastic Syndromes, Hereditary; Tumor predisposition; Hereditary Cancer Syndrome; Hereditary neoplastic syndrome. Identifiers: Orphanet 140162, MedGen C0027672, MeSH D009386, MONDO:0015356.
Lynch syndrome 4 (LYNCH4). Also called: Colorectal cancer, hereditary nonpolyposis, type 4; Hereditary non-polyposis colorectal cancer, type 4. Identifiers: Orphanet 144, MedGen C1838333, MONDO:0013699, OMIM 614337. Disease mechanism: loss of function.

Submissions (2):

Ambry Genetics
Classification: Pathogenic for Hereditary cancer-predisposing syndrome. Last evaluated: 2025-02-18. Review status: criteria provided, single submitter. Criteria: Ambry Variant Classification Scheme 2023. Collection method: clinical testing. Allele origin: germline.
Comment: The c.740delC pathogenic mutation, located in coding exon 7 of the PMS2 gene, results from a deletion of one nucleotide at nucleotide position 740, causing a translational frameshift with a predicted alternate stop codon (p.P247Lfs*11). This variant is considered to be rare based on population cohorts in the Genome Aggregation Database (gnomAD). This alteration is expected to result in loss of function by premature protein truncation or nonsense-mediated mRNA decay. As such, this alteration is interpreted as a disease-causing mutation.

Myriad Genetics, Inc.
Classification: Pathogenic for Lynch syndrome 4. Last evaluated: 2025-01-16. Review status: criteria provided, single submitter. Criteria: Myriad Autosomal Dominant, Autosomal Recessive and X-Linked Classification Criteria (2023). Collection method: clinical testing. Allele origin: unknown.
Comment: This variant is considered pathogenic. This variant creates a frameshift predicted to result in premature protein truncation.

NM_000535.7(PMS2):c.740del (p.Pro247fs)

Gene: PMS2 (PMS1 homolog 2, mismatch repair system component; minus strand). Cytogenetic location: 7p22.1.
Variant type: Deletion.
Coding change: c.740del on transcript NM_000535.7 (MANE Select); coding-DNA position 740, one base deleted (C; older notation c.740delC).
Protein change: p.Pro247fs; shifts the reading frame from proline 247.
Molecular consequence: frameshift variant. On other transcripts: 5 prime UTR variant (2), non-coding transcript variant (1).
Genome position (GRCh38, 1-based): chr7:5,997,389, G deleted on the plus strand (C on the coding strand, the reverse complement: PMS2 is on the minus strand); the first of 5 consecutive G bases (chr7:5,997,389-5,997,393); deleting any one gives the same sequence. VCF-style (leftmost placement, unchanged base first): chr7-5997388-AG-A. GRCh37 (hg19) VCF-style: chr7-6037019-AG-A.
Other names: c.427delC, p.Pro144Leufs (NM_001406879.1, NM_001406880.1, NM_001406882.1 and 5 more transcripts); c.331delC, p.Pro112Leufs (NM_001406887.1, NM_001018040.1, NM_001406888.1 and 15 more transcripts); c.418delC, p.Pro141Leufs (NM_001406883.1, NM_001406876.1, NM_001406901.1 and 2 more transcripts); c.568delC, p.Pro191Leufs (NM_001406884.1, NM_001406874.1); c.400delC, p.Pro135Leufs (NM_001406885.1); c.335del, p.Pro112fs (NM_001322003.2, NM_001322004.2, NM_001322005.2 and 2 more transcripts); c.740del, p.Pro247fs (NM_001322006.2, NM_001322014.2); c.422del, p.Pro141fs (NM_001322007.2, NM_001322008.2); and 10 more; short protein forms P112fs, P141fs, P144fs, P56fs, P247fs.
Identifiers: ClinVar variation 1758780 (VCV001758780.4), dbSNP rs762540878, ClinGen allele CA2578823908.
Genomic context (GRCh38, chr7:5,997,388, plus strand): 5'-AAAAAGATTATGCAGAGCATCGGAACAGCTCAAACCGTACTCTTCACACACGGAGTCACT[AG>A]GGGGCAGCTGAACAAAAGGAATGAGGCTTTGCAACTGAAAAAAAAAAAAAAAAATTCACA-3'